The following is an entry in ClinVar:

ClinVar aggregate classification (germline): Pathogenic (1 of 4 stars; one submission).

Conditions:
Aniridia 1 (AN1). Identifiers: Orphanet 250923, MedGen C0344542, MONDO:0024507, OMIM 106210.
Irido-corneo-trabecular dysgenesis (ASGD5). Also called: ANTERIOR SEGMENT DYSGENESIS 5. Identifiers: Orphanet 708, MedGen C0344559, MONDO:0011414, OMIM 604229, HP:0000659.

Submission:

Labcorp Genetics (formerly Invitae), Labcorp
Classification: Pathogenic for Aniridia 1; Irido-corneo-trabecular dysgenesis. Last evaluated: 2025-06-10. Review status: criteria provided, single submitter. Criteria: Invitae Variant Classification Sherloc (09022015). Collection method: clinical testing. Allele origin: germline.
Comment: This sequence change replaces serine, which is neutral and polar, with arginine, which is basic and polar, at codon 119 of the PAX6 protein (p.Ser119Arg). This variant is not present in population databases (gnomAD no frequency). This missense change has been observed in individual(s) with aniridia (PMID: 11553050, 17679951, 28321846). In at least one individual the variant was observed to be de novo. It has also been observed to segregate with disease in related individuals. An algorithm developed to predict the effect of missense changes on protein structure and function (PolyPhen-2) suggests that this variant is likely to be disruptive. For these reasons, this variant has been classified as Pathogenic.

Literature cited by the submitters: PubMed 11553050; PubMed 17679951; PubMed 28321846.

NM_001368894.2(PAX6):c.397A>C (p.Ser133Arg)

Gene: PAX6 (paired box 6; minus strand). Cytogenetic location: 11p13.
Variant type: single nucleotide variant.
Coding change: c.397A>C on transcript NM_001368894.2 (MANE Select); coding-DNA position 397, A replaced by C.
Protein change: p.Ser133Arg; replaces serine 133 with arginine.
Molecular consequence: missense variant. On other transcripts: 5 prime UTR variant (14), non-coding transcript variant (2), intron variant (8).
Genome position (GRCh38, 1-based): chr11:31,801,563, T>G on the plus strand (A>C on the coding strand, the complement: PAX6 is on the minus strand). VCF-style: chr11-31801563-T-G. GRCh37 (hg19) VCF-style: chr11-31823111-T-G.
Other names: c.355A>C, p.Ser119Arg (NM_000280.6, NM_001127612.3, NM_001258464.2 and 10 more transcripts); c.397A>C, p.Ser133Arg (NM_001258462.3, NM_001258463.2, NM_001310158.2 and 6 more transcripts); c.-385A>C (NM_001310160.2, NM_001368902.2, NM_001368905.2); c.-54A>C (NM_001310161.3, NM_001368899.2, NM_001368900.2 and 8 more transcripts); c.598A>C, p.Ser200Arg (NM_001368910.2); c.400A>C, p.Ser134Arg (NM_001368911.2); c.472A>C, p.Ser158Arg (NM_001368918.2, NM_001368919.2); c.430A>C, p.Ser144Arg (NM_001368920.2); and 2 more; short protein forms S133R, S144R, S119R, S134R, S158R, S200R.
Identifiers: ClinVar variation 4785254 (VCV004785254.1).